The following is an entry in ClinVar:

NM_025114.4(CEP290):c.7340A>C (p.Lys2447Thr)

Genes: CEP290 (centrosomal protein 290; minus strand), RLIG1 (RNA 5'-phosphate and 3'-OH ligase 1; plus strand). Cytogenetic location: 12q21.32.
Variant type: single nucleotide variant.
Coding change: c.7340A>C on transcript NM_025114.4 (MANE Select); coding-DNA position 7340, A replaced by C.
Protein change: p.Lys2447Thr; replaces lysine 2447 with threonine.
Molecular consequence: missense variant. On other transcripts: 3 prime UTR variant (1).
Genome position (GRCh38, 1-based): chr12:88,049,284, T>G on the plus strand (A>C on the coding strand, the complement: CEP290 is on the minus strand). VCF-style: chr12-88049284-T-G. GRCh37 (hg19) VCF-style: chr12-88443061-T-G.
Other names: c.*862T>G (NM_001009894.3); short protein forms K2447T.
Identifiers: ClinVar variation 866908 (VCV000866908.17), dbSNP rs201382524, ClinGen allele CA6711285.
Genomic context (GRCh38, chr12:88,049,284, plus strand): 5'-TCAAACTCTTCAGAAGCAGCAACAGGGCTAGTTAATTCAACTCCCAATTGTTCTGAAAGT[T>G]TTTTTACCTTCTCTTCTAAGAGAATATTCTTCTTCACTTCTTCCTTGTAATTATACTTAA-3'
Protein context (NP_079390.3, residues 2437-2457): KNILLEEKVK[Lys2447Thr]LSEQLGVELT

ClinVar aggregate classification (germline): Uncertain significance. Review status: criteria provided, multiple submitters, no conflicts (2 of 4 stars). 8 submissions from 8 submitters: Uncertain significance (6). 2 of the submissions do not count toward it. Last evaluated 2026-06-19.

Conditions:
Inborn genetic diseases. Identifiers: MedGen C0950123, MeSH D030342.
Leber congenital amaurosis (LCA). Also called: Leber's amaurosis. Identifiers: Orphanet 65, MedGen C0339527, MeSH D057130, MONDO:0018998.
CEP290-related disorder. Also called: CEP290-related condition; CEP290-related disorders. Identifiers: MedGen CN239314.
Joubert syndrome 5 (JBTS5). Identifiers: Orphanet 2318, MedGen C1857780, MONDO:0012432, OMIM 610188.
Meckel syndrome, type 4 (MKS4). Also called: MECKEL-GRUBER SYNDROME, TYPE 4. Identifiers: Orphanet 564, MedGen C1970161, MONDO:0012626, OMIM 611134.
Senior-Loken syndrome 6 (SLSN6). Identifiers: Orphanet 3156, MedGen C1857779, MONDO:0012433, OMIM 610189.
Leber congenital amaurosis 10 (LCA10). Identifiers: Orphanet 65, MedGen C1857821, MONDO:0012723, OMIM 611755.
Bardet-Biedl syndrome 14 (BBS14). Identifiers: Orphanet 110, MedGen C2673874, MONDO:0014442, OMIM 615991.
Intellectual disability. Also called: Intellectual functioning disability; intellectual disabilities; Intellectual developmental disorder. Identifiers: MedGen C3714756, MeSH D008607, MONDO:0001071, HP:0001249.
Nephronophthisis. Also called: Juvenile Nephronophthisis. Identifiers: Orphanet 655, MedGen C0687120, MONDO:0019005, HP:0000090.
Meckel-Gruber syndrome. Also called: GRUBER SYNDROME; DYSENCEPHALIA SPLANCHNOCYSTICA; Dysencephalia splachnocystica. Identifiers: Orphanet 564, MedGen C0265215, MONDO:0018921.
Joubert syndrome. Also called: Familial aplasia of the vermis; JOUBERT-BOLTSHAUSER SYNDROME. Identifiers: Orphanet 475, MedGen C5979921, MONDO:0018772.

Allele frequency attached by ClinVar (database versions not stated): gnomAD 0.00005 and 0.00006; gnomAD exomes 0.00007 and 0.00014; ExAC 0.00009; ESP Exome Variant Server 0.00009; TOPMed 0.00011; 1000 Genomes Project 30x 0.00016; 1000 Genomes Project 0.00020.
gnomAD v4.1: 213 of 1,608,644 alleles (0.013%); highest among the groups gnomAD compares: Non-Finnish European, 0.017%; 1 homozygote.

Submissions (8):

PreventionGenetics, part of Exact Sciences
Classification: Uncertain significance for CEP290-related condition. Last evaluated: 2026-06-19. Review status: criteria provided, single submitter. Criteria: ACMG Guidelines, 2015. Collection method: clinical testing. Allele origin: germline.
Comment: The CEP290 c.7340A>C variant is predicted to result in the amino acid substitution p.Lys2447Thr. To our knowledge, this variant has not been reported in the literature. This variant is reported in 0.012% of alleles in individuals of European (Non-Finnish) descent in gnomAD. At this time, the clinical significance of this variant is uncertain due to the absence of conclusive functional and genetic evidence.

Ambry Genetics
Classification: Uncertain significance for Inborn genetic diseases. Last evaluated: 2025-08-21. Review status: criteria provided, single submitter. Criteria: Ambry Variant Classification Scheme 2023. Collection method: clinical testing. Allele origin: germline.

Fulgent Genetics
Classification: Uncertain significance for Joubert syndrome 5; Senior-Loken syndrome 6; Meckel syndrome, type 4; Leber congenital amaurosis 10; Bardet-Biedl syndrome 14. Last evaluated: 2024-04-16. Review status: criteria provided, single submitter. Criteria: ACMG Guidelines, 2015. Collection method: clinical testing. Allele origin: germline.

Blueprint Genetics
Classification: Uncertain significance. Last evaluated: 2024-01-19. Review status: criteria provided, single submitter. Criteria: ACMG Guidelines, 2015. Collection method: clinical testing. Allele origin: germline.

Labcorp Genetics (formerly Invitae), Labcorp
Classification: Uncertain significance for Joubert syndrome; Meckel-Gruber syndrome; Nephronophthisis. Last evaluated: 2022-11-01. Review status: criteria provided, single submitter. Criteria: Invitae Variant Classification Sherloc (09022015). Collection method: clinical testing. Allele origin: germline.
Comment: This sequence change replaces lysine, which is basic and polar, with threonine, which is neutral and polar, at codon 2447 of the CEP290 protein (p.Lys2447Thr). This variant is present in population databases (rs201382524, gnomAD 0.01%). This variant has not been reported in the literature in individuals affected with CEP290-related conditions. ClinVar contains an entry for this variant (Variation ID: 866908). Algorithms developed to predict the effect of missense changes on protein structure and function are either unavailable or do not agree on the potential impact of this missense change (SIFT: "Deleterious"; PolyPhen-2: "Benign"; Align-GVGD: "Class C0"). In summary, the available evidence is currently insufficient to determine the role of this variant in disease. Therefore, it has been classified as a Variant of Uncertain Significance.

GeneDx
Classification: Uncertain significance. Last evaluated: 2022-09-12. Review status: criteria provided, single submitter. Criteria: GeneDx Variant Classification Process June 2021. Collection method: clinical testing. Allele origin: germline. Affected: yes.
Comment: Not observed at significant frequency in large population cohorts (gnomAD); In silico analysis supports that this missense variant does not alter protein structure/function; Has not been previously published as pathogenic or benign to our knowledge

Natera, Inc.
Classification: Uncertain significance for Leber congenital amaurosis. Last evaluated: 2020-02-07. Review status: no assertion criteria provided. Collection method: clinical testing. Allele origin: germline. Not counted in ClinVar's aggregate classification.

Centre de Biologie Pathologie Génétique, Centre Hospitalier Universitaire de Lille
Classification: Likely benign for Intellectual disability. Last evaluated: 2019-01-01. Review status: no assertion criteria provided. Collection method: clinical testing. Allele origin: inherited. Affected: yes. Not counted in ClinVar's aggregate classification.